The following is an entry in ClinVar:

NM_001363711.2(DUOX2):c.4000C>T (p.Arg1334Trp)

Gene: DUOX2 (dual oxidase 2; minus strand). Cytogenetic location: 15q21.1.
Variant type: single nucleotide variant.
Coding change: c.4000C>T on transcript NM_001363711.2 (MANE Select); coding-DNA position 4000, C replaced by T.
Protein change: p.Arg1334Trp; replaces arginine 1334 with tryptophan.
Molecular consequence: missense variant.
Genome position (GRCh38, 1-based): chr15:45,095,908, G>A on the plus strand (C>T on the coding strand, the complement: DUOX2 is on the minus strand). VCF-style: chr15-45095908-G-A. GRCh37 (hg19) VCF-style: chr15-45388106-G-A.
Other names: c.4000C>T (NM_014080.4); c.4000C>T, p.Arg1334Trp (NM_014080.5); short protein forms R1334W.
Identifiers: ClinVar variation 2137662 (VCV002137662.9), dbSNP rs200541410, ClinGen allele CA7537670.

ClinVar aggregate classification (germline): Conflicting classifications of pathogenicity. Review status: criteria provided, conflicting classifications (1 of 4 stars). 3 submissions from 3 submitters: Likely pathogenic (2); Uncertain significance (1). Last evaluated 2025-08-18.

Conditions:
Thyroid dyshormonogenesis 6 (TDH6). Also called: HYPOTHYROIDISM, CONGENITAL, DUE TO DYSHORMONOGENESIS, 6; Genetic transient congenital hypothyroidism; THYROID HORMONOGENESIS, GENETIC DEFECT IN, 6. Identifiers: Orphanet 226316, Orphanet 95716, MedGen C1846632, MONDO:0011792, OMIM 607200.

Allele frequency attached by ClinVar (database versions not stated): TOPMed 0.00002; gnomAD 0.00008; 1000 Genomes Project 30x 0.00062; 1000 Genomes Project 0.00080.
gnomAD v4.1: 40 of 1,613,998 alleles (0.0025%); highest among the groups gnomAD compares: East Asian, 0.056%; no homozygotes.

Submissions (3):

Labcorp Genetics (formerly Invitae), Labcorp
Classification: Uncertain significance. Last evaluated: 2025-08-18. Review status: criteria provided, single submitter. Criteria: Invitae Variant Classification Sherloc (09022015). Collection method: clinical testing. Allele origin: germline.
Comment: This sequence change replaces arginine, which is basic and polar, with tryptophan, which is neutral and slightly polar, at codon 1334 of the DUOX2 protein (p.Arg1334Trp). This variant is present in population databases (rs200541410, gnomAD 0.07%). This missense change has been observed in individual(s) with congenital hypothyroidism (PMID: 25248169, 26349762, 26565538, 27108200, 27557340, 29650690). ClinVar contains an entry for this variant (Variation ID: 2137662). Invitae Evidence Modeling of protein sequence and biophysical properties (such as structural, functional, and spatial information, amino acid conservation, physicochemical variation, residue mobility, and thermodynamic stability) indicates that this missense variant is expected to disrupt DUOX2 protein function with a positive predictive value of 80%. Experimental studies have shown that this missense change affects DUOX2 function (PMID: 25248169, 26565538, 34564849). In summary, the available evidence is currently insufficient to determine the role of this variant in disease. Therefore, it has been classified as a Variant of Uncertain Significance.

Fulgent Genetics
Classification: Likely pathogenic for Thyroid dyshormonogenesis 6. Last evaluated: 2024-06-19. Review status: criteria provided, single submitter. Criteria: ACMG Guidelines, 2015. Collection method: clinical testing. Allele origin: germline.

Juno Genomics, Hangzhou Juno Genomics, Inc
Classification: Likely pathogenic for Thyroid dyshormonogenesis 6. Review status: criteria provided, single submitter. Criteria: ACMG Guidelines, 2015. Collection method: clinical testing. Allele origin: germline.
Comment: For recessive disorders, detected in trans with a pathogenic variant.;Patient's phenotype or family history is highly specific for a disease with a single genetic etiology.;Well-established in vitro or in vivo functional studies supportive of a damaging effect on the gene or gene product.

Literature cited by the submitters: PubMed 25248169 (cited by Labcorp Genetics (formerly Invitae), Labcorp); PubMed 26349762 (cited by Labcorp Genetics (formerly Invitae), Labcorp); PubMed 26565538 (cited by Labcorp Genetics (formerly Invitae), Labcorp); PubMed 27108200 (cited by Labcorp Genetics (formerly Invitae), Labcorp); PubMed 27557340 (cited by Labcorp Genetics (formerly Invitae), Labcorp); PubMed 29650690 (cited by Labcorp Genetics (formerly Invitae), Labcorp); PubMed 34564849 (cited by Labcorp Genetics (formerly Invitae), Labcorp).